The following is an entry in ClinVar:

NM_014956.5(CEP164):c.101G>T (p.Arg34Leu)

Gene: CEP164 (centrosomal protein 164; plus strand). Cytogenetic location: 11q23.3.
Variant type: single nucleotide variant.
Coding change: c.101G>T on transcript NM_014956.5 (MANE Select); coding-DNA position 101, G replaced by T.
Protein change: p.Arg34Leu; replaces arginine 34 with leucine.
Molecular consequence: missense variant.
Genome position (GRCh38, 1-based): chr11:117,344,184, G>T. VCF-style: chr11-117344184-G-T. GRCh37 (hg19) VCF-style: chr11-117214900-G-T.
Other names: c.101G>T, p.Arg34Leu (NM_001271933.2); c.101G>T (NM_014956.4); short protein forms R34L.
Identifiers: ClinVar variation 1004967 (VCV001004967.9), dbSNP rs760829793, ClinGen allele CA6294328.

ClinVar aggregate classification (germline): Uncertain significance. Review status: criteria provided, multiple submitters, no conflicts (2 of 4 stars). 3 submissions from 3 submitters: Uncertain significance (3). Last evaluated 2025-08-11.

Conditions:
Nephronophthisis 15 (NPHP15). Identifiers: Orphanet 3156, MedGen C3541853, MONDO:0013917, OMIM 614845.
Inborn genetic diseases. Identifiers: MedGen C0950123, MeSH D030342.

Allele frequency attached by ClinVar (database versions not stated): gnomAD below 0.00001 and 0.00001.
gnomAD v4.1: 25 of 1,611,374 alleles (0.0016%); highest among the groups gnomAD compares: South Asian, 0.028%; no homozygotes.

Submissions (3):

Ambry Genetics
Classification: Uncertain significance for Inborn genetic diseases. Last evaluated: 2025-08-11. Review status: criteria provided, single submitter. Criteria: Ambry Variant Classification Scheme 2023. Collection method: clinical testing. Allele origin: germline.

Labcorp Genetics (formerly Invitae), Labcorp
Classification: Uncertain significance for Nephronophthisis 15. Last evaluated: 2024-11-11. Review status: criteria provided, single submitter. Criteria: Invitae Variant Classification Sherloc (09022015). Collection method: clinical testing. Allele origin: germline.
Comment: This sequence change replaces arginine, which is basic and polar, with leucine, which is neutral and non-polar, at codon 34 of the CEP164 protein (p.Arg34Leu). This variant is present in population databases (rs760829793, gnomAD 0.03%). This variant has not been reported in the literature in individuals affected with CEP164-related conditions. ClinVar contains an entry for this variant (Variation ID: 1004967). An algorithm developed to predict the effect of missense changes on protein structure and function (PolyPhen-2) suggests that this variant¬†is likely to be tolerated. In summary, the available evidence is currently insufficient to determine the role of this variant in disease. Therefore, it has been classified as a Variant of Uncertain Significance.

Fulgent Genetics
Classification: Uncertain significance for Nephronophthisis 15. Last evaluated: 2021-07-28. Review status: criteria provided, single submitter. Criteria: ACMG Guidelines, 2015. Collection method: clinical testing. Allele origin: unknown.